The following is an entry in ClinVar:

NM_004947.5(DOCK3):c.419G>T (p.Arg140Leu)

Gene: DOCK3 (dedicator of cytokinesis 3; plus strand). Cytogenetic location: 3p21.2.
Variant type: single nucleotide variant.
Coding change: c.419G>T on transcript NM_004947.5 (MANE Select); coding-DNA position 419, G replaced by T.
Protein change: p.Arg140Leu; replaces arginine 140 with leucine.
Molecular consequence: missense variant.
Genome position (GRCh38, 1-based): chr3:51,064,551, G>T. VCF-style: chr3-51064551-G-T. GRCh37 (hg19) VCF-style: chr3-51101982-G-T.
Other names: short protein forms R140L.
Identifiers: ClinVar variation 4529699 (VCV004529699.1).

ClinVar aggregate classification (germline): Uncertain significance (1 of 4 stars; one submission).

gnomAD v4.1: 5 of 1,613,950 alleles (0.00031%); highest among the groups gnomAD compares: Non-Finnish European, 0.00042%; no homozygotes.

Submission:

GeneDx
Classification: Uncertain significance. Last evaluated: 2022-05-16. Review status: criteria provided, single submitter. Criteria: GeneDx Variant Classification Process June 2021. Collection method: clinical testing. Allele origin: germline. Affected: yes.
Comment: Not observed at significant frequency in large population cohorts (gnomAD); In silico analysis supports that this missense variant does not alter protein structure/function; Has not been previously published as pathogenic or benign to our knowledge; Variants in candidate genes are classified as variants of uncertain significance in accordance with ACMG guidelines (Richards et al., 2015)